The following is an entry in ClinVar:

ClinVar aggregate classification (germline): Uncertain significance. Review status: criteria provided, multiple submitters, no conflicts (2 of 4 stars). 2 submissions from 2 submitters: Uncertain significance (2). Last evaluated 2022-08-15.

Allele frequency attached by ClinVar (database versions not stated): gnomAD exomes 0.00002; ExAC 0.00003; gnomAD 0.00008 and 0.00010; TOPMed 0.00010; 1000 Genomes Project 0.00040; 1000 Genomes Project 30x 0.00062.

Submissions (2):

Labcorp Genetics (formerly Invitae), Labcorp
Classification: Uncertain significance. Last evaluated: 2022-08-15. Review status: criteria provided, single submitter. Criteria: Invitae Variant Classification Sherloc (09022015). Collection method: clinical testing. Allele origin: germline.
Comment: This sequence change replaces valine, which is neutral and non-polar, with alanine, which is neutral and non-polar, at codon 232 of the SYNE4 protein (p.Val232Ala). This variant is present in population databases (rs545349399, gnomAD 0.02%). This variant has not been reported in the literature in individuals affected with SYNE4-related conditions. ClinVar contains an entry for this variant (Variation ID: 594211). Algorithms developed to predict the effect of missense changes on protein structure and function output the following: SIFT: "Tolerated"; PolyPhen-2: "Possibly Damaging"; Align-GVGD: "Class C0". The alanine amino acid residue is found in multiple mammalian species, which suggests that this missense change does not adversely affect protein function. In summary, the available evidence is currently insufficient to determine the role of this variant in disease. Therefore, it has been classified as a Variant of Uncertain Significance.

Eurofins Ntd Llc (ga)
Classification: Uncertain significance. Last evaluated: 2017-10-12. Review status: criteria provided, single submitter. Criteria: EGL Classification Definitions 2015. Collection method: clinical testing. Allele origin: germline. Observed: 1 variant allele, 1 heterozygote.

NM_001039876.3(SYNE4):c.695T>C (p.Val232Ala)

Gene: SYNE4 (spectrin repeat containing nuclear envelope family member 4; minus strand). Cytogenetic location: 19q13.12.
Variant type: single nucleotide variant.
Coding change: c.695T>C on transcript NM_001039876.3 (MANE Select); coding-DNA position 695, T replaced by C.
Protein change: p.Val232Ala; replaces valine 232 with alanine.
Molecular consequence: missense variant.
Genome position (GRCh38, 1-based): chr19:36,006,595, A>G on the plus strand (T>C on the coding strand, the complement: SYNE4 is on the minus strand). VCF-style: chr19-36006595-A-G. GRCh37 (hg19) VCF-style: chr19-36497497-A-G.
Other names: c.356T>C, p.Val119Ala (NM_001297735.3); short protein forms V232A, V119A.
Identifiers: ClinVar variation 594211 (VCV000594211.6), dbSNP rs545349399, ClinGen allele CA9393866.
Genomic context (GRCh38, chr19:36,006,595, plus strand): 5'-GCCGGATCCCACTCCAACTCTGTGGAAGTGGGGAGGCTACTGGGTGCCCAGGGCCCCCAG[A>G]CCCCACCAGGTCCTGGCCAGTCCGAGTCTCCCTCGACCTCCAAGTCCTGGTCCAGCGTGT-3'
Protein context (NP_001034965.1, residues 222-242): GDSDWPGPGG[Val232Ala]WGPWAPSSLP